The following is an entry in ClinVar:

ClinVar aggregate classification (germline): Pathogenic (1 of 4 stars; one submission).

Submission:

Labcorp Genetics (formerly Invitae), Labcorp
Classification: Pathogenic. Last evaluated: 2023-09-09. Review status: criteria provided, single submitter. Criteria: Invitae Variant Classification Sherloc (09022015). Collection method: clinical testing. Allele origin: germline.
Comment: For these reasons, this variant has been classified as Pathogenic. This variant has not been reported in the literature in individuals affected with TG-related conditions. This variant is not present in population databases (gnomAD no frequency). This sequence change creates a premature translational stop signal (p.Cys2076*) in the TG gene. It is expected to result in an absent or disrupted protein product. Loss-of-function variants in TG are known to be pathogenic (PMID: 19837936, 23164529).

Literature cited by the submitters: PubMed 19837936; PubMed 23164529.

NM_003235.5(TG):c.6228C>A (p.Cys2076Ter)

Gene: TG (thyroglobulin; plus strand). Cytogenetic location: 8q24.22.
Variant type: single nucleotide variant.
Coding change: c.6228C>A on transcript NM_003235.5 (MANE Select); coding-DNA position 6228, C replaced by A.
Protein change: p.Cys2076Ter; replaces cysteine 2076 with a stop codon.
Molecular consequence: nonsense.
Genome position (GRCh38, 1-based): chr8:132,983,378, C>A. VCF-style: chr8-132983378-C-A. GRCh37 (hg19) VCF-style: chr8-133995623-C-A.
Other names: short protein forms C2076*.
Identifiers: ClinVar variation 2759340 (VCV002759340.3), dbSNP rs2491240602, ClinGen allele CA372239446.